The following is an entry in ClinVar:

ClinVar aggregate classification (germline): Uncertain significance (1 of 4 stars; one submission).

Conditions:
SEMA3B-related disorder. Also called: SEMA3B-related condition.

Submission:

PreventionGenetics, part of Exact Sciences
Classification: Uncertain significance for SEMA3B-related condition. Last evaluated: 2026-07-16. Review status: criteria provided, single submitter. Criteria: ACMG Guidelines, 2015. Collection method: clinical testing. Allele origin: germline.
Comment: The SEMA3B c.376A>G variant is predicted to result in the amino acid substitution p.Thr126Ala. To our knowledge, this variant has not been reported in the literature or in a large population database (gnomAD), indicating this variant is rare. At this time, the clinical significance of this variant is uncertain due to the absence of conclusive functional and genetic evidence.

NM_001290060.2(SEMA3B):c.376A>G (p.Thr126Ala)

Gene: SEMA3B (semaphorin 3B; plus strand). Cytogenetic location: 3p21.31.
Variant type: single nucleotide variant.
Coding change: c.376A>G on transcript NM_001290060.2 (MANE Select); coding-DNA position 376, A replaced by G.
Protein change: p.Thr126Ala; replaces threonine 126 with alanine.
Molecular consequence: missense variant.
Genome position (GRCh38, 1-based): chr3:50,270,935, A>G. VCF-style: chr3-50270935-A-G. GRCh37 (hg19) VCF-style: chr3-50308366-A-G.
Other names: c.376A>G, p.Thr126Ala (NM_001005914.3, NM_001290061.1, NM_001435956.1 and 3 more transcripts); short protein forms T126A.
Identifiers: ClinVar variation 4992031 (VCV004992031.1).